The following is an entry in ClinVar:

ClinVar aggregate classification (germline): Uncertain significance (1 of 4 stars; one submission).

Conditions:
Epidermolysis bullosa simplex 5B, with muscular dystrophy (EBS5B). Also called: Epidermolysis bullosa simplex with muscular dystrophy; EPIDERMOLYSIS BULLOSA SIMPLEX AND LIMB-GIRDLE MUSCULAR DYSTROPHY. Identifiers: Orphanet 257, MedGen C2931072, MONDO:0009181, OMIM 226670.
Epidermolysis bullosa simplex 5C, with pyloric atresia (EBS5C). Also called: PLEC-Related Epidermolysis Bullosa with Pyloric Atresia; Epidermolysis bullosa simplex with pyloric atresia; PLEC1-Related Epidermolysis Bullosa with Pyloric Atresia. Identifiers: Orphanet 158684, MedGen C2677349, MONDO:0012807, OMIM 612138.
Epidermolysis bullosa simplex with nail dystrophy (EBS5D). Identifiers: MedGen C4225309, MONDO:0014661, OMIM 616487.
Epidermolysis bullosa simplex, Ogna type (EBS5A). Also called: Pidermolysis bullosa simplex 5A, Ogna type; EPIDERMOLYSIS BULLOSA SIMPLEX 5A, OGNA TYPE. Identifiers: Orphanet 79401, MedGen C0432317, MONDO:0007555, OMIM 131950.
Autosomal recessive limb-girdle muscular dystrophy type 2Q (LGMDR17). Also called: MUSCULAR DYSTROPHY, LIMB-GIRDLE, AUTOSOMAL RECESSIVE 17. Identifiers: Orphanet 254361, MedGen C3150989, MONDO:0013390, OMIM 613723.

Allele frequency attached by ClinVar (database versions not stated): gnomAD exomes below 0.00001.
gnomAD v4.1: 2 of 1,612,536 alleles (0.00012%); highest among the groups gnomAD compares: Admixed American, 0.0017%; no homozygotes.

Submission:

Labcorp Genetics (formerly Invitae), Labcorp
Classification: Uncertain significance for Autosomal recessive limb-girdle muscular dystrophy type 2Q; Epidermolysis bullosa simplex, Ogna type; Epidermolysis bullosa simplex with nail dystrophy; Epidermolysis bullosa simplex 5C, with pyloric atresia; Epidermolysis bullosa simplex 5B, with muscular dystrophy. Last evaluated: 2023-05-23. Review status: criteria provided, single submitter. Criteria: Invitae Variant Classification Sherloc (09022015). Collection method: clinical testing. Allele origin: germline.
Comment: In summary, the available evidence is currently insufficient to determine the role of this variant in disease. Therefore, it has been classified as a Variant of Uncertain Significance. Experimental studies and prediction algorithms are not available or were not evaluated, and the functional significance of this variant is currently unknown. ClinVar contains an entry for this variant (Variation ID: 1995538). This variant has not been reported in the literature in individuals affected with PLEC-related conditions. This variant is present in population databases (no rsID available, gnomAD 0.003%). This sequence change replaces leucine, which is neutral and non-polar, with glutamine, which is neutral and polar, at codon 257 of the PLEC protein (p.Leu257Gln).

NM_201384.3(PLEC):c.689T>A (p.Leu230Gln)

Gene: PLEC (plectin; minus strand). Cytogenetic location: 8q24.3.
Variant type: single nucleotide variant.
Coding change: c.689T>A on transcript NM_201384.3 (MANE Select); coding-DNA position 689, T replaced by A.
Protein change: p.Leu230Gln; replaces leucine 230 with glutamine.
Molecular consequence: missense variant.
Genome position (GRCh38, 1-based): chr8:143,935,227, A>T on the plus strand (T>A on the coding strand, the complement: PLEC is on the minus strand). VCF-style: chr8-143935227-A-T. GRCh37 (hg19) VCF-style: chr8-145009395-A-T.
Other names: c.1100T>A, p.Leu367Gln (NM_201380.4); c.593T>A, p.Leu198Gln (NM_201381.3); c.689T>A, p.Leu230Gln (NM_201382.4); c.701T>A, p.Leu234Gln (NM_201383.3); c.770T>A, p.Leu257Gln (NM_000445.5, NM_001410941.1); c.647T>A, p.Leu216Gln (NM_201378.4); c.623T>A, p.Leu208Gln (NM_201379.3); short protein forms L216Q, L230Q, L234Q, L257Q, L208Q, L367Q, L198Q.
Identifiers: ClinVar variation 1995538 (VCV001995538.4), dbSNP rs1554722113, ClinGen allele CA372587566.